The following is an entry in ClinVar:

NM_206926.2(SELENON):c.1021C>A (p.Pro341Thr)

Gene: SELENON (selenoprotein N; plus strand). Cytogenetic location: 1p36.11.
Variant type: single nucleotide variant.
Coding change: c.1021C>A on transcript NM_206926.2 (MANE Select); coding-DNA position 1021, C replaced by A.
Protein change: p.Pro341Thr; replaces proline 341 with threonine.
Molecular consequence: missense variant.
Genome position (GRCh38, 1-based): chr1:25,811,721, C>A. VCF-style: chr1-25811721-C-A. GRCh37 (hg19) VCF-style: chr1-26138212-C-A.
Other names: c.1123C>A (NM_020451.2); c.1123C>A, p.Pro375Thr (NM_020451.3); short protein forms P341T, P375T.
Identifiers: ClinVar variation 1056376 (VCV001056376.9), dbSNP rs1379278116, ClinGen allele CA339116835.

ClinVar aggregate classification (germline): Uncertain significance. Review status: criteria provided, single submitter (1 of 4 stars). 2 submissions from 2 submitters: Uncertain significance (1). 1 of the submissions does not count toward it. Last evaluated 2024-10-15.

Conditions:
Eichsfeld type congenital muscular dystrophy (CMYO3). Also called: Rigid spine muscular dystrophy 1; MYOPATHY, SEPN1-RELATED; SELENON-related myopathy; Congenital myopathy 3 with rigid spine. Identifiers: MedGen C0410180, MONDO:0100100, OMIM 602771.
SELENON-related disorder. Also called: SELENON-related condition.

Submissions (2):

Labcorp Genetics (formerly Invitae), Labcorp
Classification: Uncertain significance for Eichsfeld type congenital muscular dystrophy. Last evaluated: 2024-10-15. Review status: criteria provided, single submitter. Criteria: Invitae Variant Classification Sherloc (09022015). Collection method: clinical testing. Allele origin: germline.
Comment: This sequence change replaces proline, which is neutral and non-polar, with threonine, which is neutral and polar, at codon 375 of the SELENON protein (p.Pro375Thr). This variant is not present in population databases (gnomAD no frequency). This variant has not been reported in the literature in individuals affected with SELENON-related conditions. ClinVar contains an entry for this variant (Variation ID: 1056376). An algorithm developed to predict the effect of missense changes on protein structure and function (PolyPhen-2) suggests that this variant is likely to be disruptive. In summary, the available evidence is currently insufficient to determine the role of this variant in disease. Therefore, it has been classified as a Variant of Uncertain Significance.

PreventionGenetics, part of Exact Sciences
Classification: Uncertain significance for SELENON-related condition. Last evaluated: 2023-11-16. Review status: no assertion criteria provided. Collection method: clinical testing. Allele origin: germline. Not counted in ClinVar's aggregate classification.
Comment: The SELENON c.1123C>A variant is predicted to result in the amino acid substitution p.Pro375Thr. To our knowledge, this variant has not been reported in the literature or in a large population database, indicating this variant is rare. At this time, the clinical significance of this variant is uncertain due to the absence of conclusive functional and genetic evidence.